The following is an entry in ClinVar:

NM_001353345.2(SETD1B):c.5167C>T (p.Pro1723Ser)

Gene: SETD1B (SET domain containing 1B, histone lysine methyltransferase; plus strand). Cytogenetic location: 12q24.31.
Variant type: single nucleotide variant.
Coding change: c.5167C>T on transcript NM_001353345.2 (MANE Select); coding-DNA position 5167, C replaced by T.
Protein change: p.Pro1723Ser; replaces proline 1723 with serine.
Molecular consequence: missense variant.
Genome position (GRCh38, 1-based): chr12:121,823,746, C>T. VCF-style: chr12-121823746-C-T. GRCh37 (hg19) VCF-style: chr12-122261652-C-T.
Other names: short protein forms P1723S.
Identifiers: ClinVar variation 4882742 (VCV004882742.2).

ClinVar aggregate classification (germline): Uncertain significance (1 of 4 stars; one submission).

gnomAD v4.1: 1 of 1,544,386 alleles (0.000065%); highest among the groups gnomAD compares: Non-Finnish European, 0.000088%; no homozygotes.

Submission:

Dasa
Classification: Uncertain significance. Last evaluated: 2024-06-26. Review status: criteria provided, single submitter. Criteria: DASA Assertion Criteria. Collection method: clinical testing. Allele origin: germline.
Comment: NM_001353345.2(SETD1B):c.5167C>T (p.Pro1723Ser) is a missense variant that results in the substitution of proline with serine. The affected residue or protein region has prior evidence supporting clinical relevance. This variant is rare in population databases. Computational prediction algorithms are consistent with a benign effect. The currently available literature and clinical evidence are not sufficient to establish a definitive association between this variant and the reported condition. Therefore, this variant is classified as a variant of uncertain significance.